The following is an entry in ClinVar:

ClinVar aggregate classification (germline): Likely benign. Review status: criteria provided, multiple submitters, no conflicts (2 of 4 stars). 4 submissions from 4 submitters: Likely benign (4). Last evaluated 2024-11-06.

Conditions:
Malignant hyperthermia, susceptibility to, 1 (MHS1). Also called: Malignant hyperthermia suceptibility 1; Anesthesia related hyperthermia; Malignant hyperpyrexia; Fulminating hyperpyrexia; Pharmacogenic myopathy; RYR1-Related Malignant Hyperthermia Susceptibility. Identifiers: Orphanet 423, MedGen C2930980, MONDO:0007783, OMIM 145600.
RYR1-related disorder. Also called: RYR1-related disorders; RYR1-related condition. Identifiers: MedGen CN239331.

Allele frequency attached by ClinVar (database versions not stated): gnomAD exomes below 0.00001; gnomAD 0.00001; TOPMed 0.00001.
gnomAD v4.1: 3 of 1,613,084 alleles (0.00019%); highest among the groups gnomAD compares: East Asian, 0.0022%; no homozygotes.

Submissions (4):

Labcorp Genetics (formerly Invitae), Labcorp
Classification: Likely benign for RYR1-related disorder. Last evaluated: 2024-11-06. Review status: criteria provided, single submitter. Criteria: Invitae Variant Classification Sherloc (09022015). Collection method: clinical testing. Allele origin: germline.

Blueprint Genetics
Classification: Likely benign. Last evaluated: 2024-01-09. Review status: criteria provided, single submitter. Criteria: ACMG Guidelines, 2015. Collection method: clinical testing. Allele origin: germline.

All of Us Research Program, National Institutes of Health
Classification: Likely benign for Malignant hyperthermia, susceptibility to, 1. Last evaluated: 2023-12-18. Review status: criteria provided, single submitter. Criteria: ACMG Guidelines, 2015. Collection method: clinical testing. Allele origin: germline. Inheritance: Autosomal dominant inheritance. Observed: 2 variant alleles, 2 heterozygotes.
Comment: This study involves interpretation of variants in research participants for the purpose of population health screening. Participant phenotype was not available at the time of variant classification. Additional details can be found in publication PMID: 35346344, PMCID: PMC8962531

Color Diagnostics, LLC DBA Color Health
Classification: Likely benign for Malignant hyperthermia, susceptibility to, 1. Last evaluated: 2022-11-06. Review status: criteria provided, single submitter. Criteria: ACMG Guidelines, 2015. Collection method: clinical testing. Allele origin: germline.

NM_000540.3(RYR1):c.1677C>T (p.Ile559=)

Gene: RYR1 (ryanodine receptor 1; plus strand). Cytogenetic location: 19q13.2.
Variant type: single nucleotide variant.
Coding change: c.1677C>T on transcript NM_000540.3 (MANE Select); coding-DNA position 1677, C replaced by T.
Protein change: p.Ile559=; no amino-acid change (isoleucine 559 retained).
Molecular consequence: synonymous variant.
Genome position (GRCh38, 1-based): chr19:38,455,637, C>T. VCF-style: chr19-38455637-C-T. GRCh37 (hg19) VCF-style: chr19-38946277-C-T.
Other names: c.1677C>T, p.Ile559= (NM_001042723.2).
Identifiers: ClinVar variation 3071791 (VCV003071791.5), dbSNP rs1261076762, ClinGen allele CA507242965.